The following is an entry in ClinVar:

ClinVar aggregate classification (germline): Uncertain significance (1 of 4 stars; one submission).

Allele frequency attached by ClinVar (database versions not stated): gnomAD 0.00001.
gnomAD v4.1: 1 of 1,613,942 alleles (0.000062%); no homozygotes.

Submission:

Labcorp Genetics (formerly Invitae), Labcorp
Classification: Uncertain significance. Last evaluated: 2021-09-20. Review status: criteria provided, single submitter. Criteria: Invitae Variant Classification Sherloc (09022015). Collection method: clinical testing. Allele origin: germline.
Comment: This sequence change replaces aspartic acid with histidine at codon 255 of the FBXL4 protein (p.Asp255His). The aspartic acid residue is moderately conserved and there is a moderate physicochemical difference between aspartic acid and histidine. This variant is not present in population databases (ExAC no frequency). This variant has not been reported in the literature in individuals affected with FBXL4-related conditions. Advanced modeling of protein sequence and biophysical properties (such as structural, functional, and spatial information, amino acid conservation, physicochemical variation, residue mobility, and thermodynamic stability) performed at Invitae indicates that this missense variant is not expected to disrupt FBXL4 protein function. In summary, the available evidence is currently insufficient to determine the role of this variant in disease. Therefore, it has been classified as a Variant of Uncertain Significance.

NM_001278716.2(FBXL4):c.763G>C (p.Asp255His)

Gene: FBXL4 (F-box and leucine rich repeat protein 4; minus strand). Cytogenetic location: 6q16.2.
Variant type: single nucleotide variant.
Coding change: c.763G>C on transcript NM_001278716.2 (MANE Select); coding-DNA position 763, G replaced by C.
Protein change: p.Asp255His; replaces aspartic acid 255 with histidine.
Molecular consequence: missense variant.
Genome position (GRCh38, 1-based): chr6:98,917,469, C>G on the plus strand (G>C on the coding strand, the complement: FBXL4 is on the minus strand). VCF-style: chr6-98917469-C-G. GRCh37 (hg19) VCF-style: chr6-99365345-C-G.
Other names: c.763G>C, p.Asp255His (NM_012160.5); short protein forms D255H.
Identifiers: ClinVar variation 1471416 (VCV001471416.6), dbSNP rs1772404815, ClinGen allele CA365083230.
Genomic context (GRCh38, chr6:98,917,469, plus strand): 5'-GCCCTTCCCCGAGGACAGCACTGCTAAACTTTTTGTTAAGACTGTCCATTCCACAACCAT[C>G]CTTTTCTGCATAGGCATCATCTTCTATATCATTCATGTCAATAAGTGAAGTCTTGAGAGA-3'
Protein context (NP_001265645.1, residues 245-265): DIEDDAYAEK[Asp255His]GCGMDSLNKK